The following is an entry in ClinVar:

ClinVar aggregate classification (germline): Pathogenic. Review status: criteria provided, single submitter (1 of 4 stars). 2 submissions from 2 submitters: Pathogenic (1). 1 of the submissions does not count toward it. Last evaluated 2022-01-17.

Conditions:
Epilepsy, progressive myoclonic, 11. Identifiers: MedGen C5394362, MONDO:0030034, OMIM 618876.

Submissions (2):

GeneDx
Classification: Pathogenic. Last evaluated: 2022-01-17. Review status: criteria provided, single submitter. Criteria: GeneDx Variant Classification Process June 2021. Collection method: clinical testing. Allele origin: germline. Affected: yes.
Comment: Frameshift variant predicted to result in protein truncation, as the last 230 amino acids are replaced with 23 different amino acids, and other loss-of-function variants have been reported downstream in HGMD; Not observed at significant frequency in large population cohorts (gnomAD); This variant is associated with the following publications: (PMID: 32169168)

OMIM
Classification: Pathogenic for EPILEPSY, PROGRESSIVE MYOCLONIC, 11. Last evaluated: 2020-05-12. Review status: no assertion criteria provided. Collection method: literature only. Allele origin: germline. Not counted in ClinVar's aggregate classification.

Literature cited by the submitters: PubMed 32169168 (cited by OMIM).

NM_032108.4(SEMA6B):c.1976_1982del (p.Ala659fs)

Gene: SEMA6B (semaphorin 6B; minus strand). Cytogenetic location: 19p13.3.
Variant type: Microsatellite.
Coding change: c.1976_1982del on transcript NM_032108.4 (MANE Select); coding-DNA positions 1976 to 1982, 7 bases deleted (CGCAGGG; older notation c.1976_1982delCGCAGGG).
Protein change: p.Ala659fs; shifts the reading frame from alanine 659.
Molecular consequence: frameshift variant.
Genome position (GRCh38, 1-based): chr19:4,544,286-4,544,292, CCCTGCG deleted on the plus strand (CGCAGGG on the coding strand, the reverse complement: SEMA6B is on the minus strand); deleting any 7 consecutive bases within chr19:4,544,286-4,544,300 gives the same sequence; the c. name uses the placement nearest the transcript's 3' end. VCF-style (leftmost placement, unchanged base first): chr19-4544285-ACCCTGCG-A. GRCh37 (hg19) VCF-style: chr19-4544297-ACCCTGCG-A.
Other names: short protein forms A659fs.
Identifiers: ClinVar variation 872933 (VCV000872933.40), dbSNP rs1977105425, ClinGen allele CA1139666192.